The following is an entry in ClinVar:

ClinVar aggregate classification (germline): Uncertain significance. Review status: criteria provided, multiple submitters, no conflicts (2 of 4 stars). 2 submissions from 2 submitters: Uncertain significance (2). Last evaluated 2025-05-20.

Conditions:
Autosomal dominant pseudohypoaldosteronism type 1. Also called: PHA I, AUTOSOMAL DOMINANT; Pseudohypoaldosteronism, Type I, Dominant; Pseudohypoaldosteronism, Type I, Autosomal Dominant. Identifiers: Orphanet 171871, Orphanet 756, MedGen C1449842, MONDO:0008329, OMIM 177735.
Pseudohyperaldosteronism type 2. Identifiers: Orphanet 88660, MedGen C1854631, MONDO:0011517, OMIM 605115.

gnomAD v4.1: 2 of 1,559,366 alleles (0.00013%); highest among the groups gnomAD compares: Non-Finnish European, 0.00017%; no homozygotes.

Submissions (2):

Labcorp Genetics (formerly Invitae), Labcorp
Classification: Uncertain significance. Last evaluated: 2025-05-20. Review status: criteria provided, single submitter. Criteria: Invitae Variant Classification Sherloc (09022015). Collection method: clinical testing. Allele origin: germline.
Comment: This sequence change replaces proline, which is neutral and non-polar, with serine, which is neutral and polar, at codon 698 of the NR3C2 protein (p.Pro698Ser). This variant is not present in population databases (gnomAD no frequency). This variant has not been reported in the literature in individuals affected with NR3C2-related conditions. ClinVar contains an entry for this variant (Variation ID: 2979020). An algorithm developed to predict the effect of missense changes on protein structure and function (PolyPhen-2) suggests that this variant is likely to be disruptive. In summary, the available evidence is currently insufficient to determine the role of this variant in disease. Therefore, it has been classified as a Variant of Uncertain Significance.

Fulgent Genetics
Classification: Uncertain significance for Autosomal dominant pseudohypoaldosteronism type 1; Pseudohyperaldosteronism type 2. Last evaluated: 2024-05-04. Review status: criteria provided, single submitter. Criteria: ACMG Guidelines, 2015. Collection method: clinical testing. Allele origin: germline.

NM_000901.5(NR3C2):c.2092C>T (p.Pro698Ser)

Gene: NR3C2 (nuclear receptor subfamily 3 group C member 2; minus strand). Cytogenetic location: 4q31.23.
Variant type: single nucleotide variant.
Coding change: c.2092C>T on transcript NM_000901.5 (MANE Select); coding-DNA position 2092, C replaced by T.
Protein change: p.Pro698Ser; replaces proline 698 with serine.
Molecular consequence: missense variant. On other transcripts: intron variant (2).
Genome position (GRCh38, 1-based): chr4:148,154,824, G>A on the plus strand (C>T on the coding strand, the complement: NR3C2 is on the minus strand). VCF-style: chr4-148154824-G-A. GRCh37 (hg19) VCF-style: chr4-149075975-G-A.
Other names: c.2015-2211C>T (NM_001354819.1, NM_001166104.2); short protein forms P698S.
Identifiers: ClinVar variation 2979020 (VCV002979020.4), dbSNP rs1274861928, ClinGen allele CA358426761.